The following is an entry in ClinVar:

ClinVar aggregate classification (germline): Conflicting classifications of pathogenicity. Review status: criteria provided, conflicting classifications (1 of 4 stars). 5 submissions from 5 submitters: Uncertain significance (1); Benign (1); Likely benign (2). 1 of the submissions does not count toward it. Last evaluated 2026-05-01.

Conditions:
Epidermolysis bullosa simplex, Ogna type (EBS5A). Also called: Pidermolysis bullosa simplex 5A, Ogna type; EPIDERMOLYSIS BULLOSA SIMPLEX 5A, OGNA TYPE. Identifiers: Orphanet 79401, MedGen C0432317, MONDO:0007555, OMIM 131950.
Epidermolysis bullosa simplex with nail dystrophy (EBS5D). Identifiers: MedGen C4225309, MONDO:0014661, OMIM 616487.
Autosomal recessive limb-girdle muscular dystrophy type 2Q (LGMDR17). Also called: MUSCULAR DYSTROPHY, LIMB-GIRDLE, AUTOSOMAL RECESSIVE 17. Identifiers: Orphanet 254361, MedGen C3150989, MONDO:0013390, OMIM 613723.
Epidermolysis bullosa simplex 5C, with pyloric atresia (EBS5C). Also called: Epidermolysis bullosa simplex with pyloric atresia; PLEC1-Related Epidermolysis Bullosa with Pyloric Atresia; PLEC-Related Epidermolysis Bullosa with Pyloric Atresia. Identifiers: Orphanet 158684, MedGen C2677349, MONDO:0012807, OMIM 612138.
Epidermolysis bullosa simplex 5B, with muscular dystrophy (EBS5B). Also called: Epidermolysis bullosa simplex with muscular dystrophy; EPIDERMOLYSIS BULLOSA SIMPLEX AND LIMB-GIRDLE MUSCULAR DYSTROPHY. Identifiers: Orphanet 257, MedGen C2931072, MONDO:0009181, OMIM 226670.
PLEC-related disorder. Also called: PLEC-related disorders; PLEC-related condition.

Allele frequency attached by ClinVar (database versions not stated): gnomAD 0.00001; gnomAD exomes 0.00006 and 0.00033; TOPMed 0.00008; ExAC 0.00032.
gnomAD v4.1: 90 of 1,613,686 alleles (0.0056%); highest among the groups gnomAD compares: Admixed American, 0.14%; no homozygotes.

Submissions (5):

CeGaT Center for Human Genetics Tuebingen
Classification: Likely benign. Last evaluated: 2026-05-01. Review status: criteria provided, single submitter. Criteria: CeGaT Center For Human Genetics Tuebingen Variant Classification Criteria Version 2. Collection method: clinical testing. Allele origin: germline. Affected: yes. Observed: 1 variant allele.
Comment: PLEC: BP4, BP7

Labcorp Genetics (formerly Invitae), Labcorp
Classification: Benign for Autosomal recessive limb-girdle muscular dystrophy type 2Q; Epidermolysis bullosa simplex, Ogna type; Epidermolysis bullosa simplex with nail dystrophy; Epidermolysis bullosa simplex 5C, with pyloric atresia; Epidermolysis bullosa simplex 5B, with muscular dystrophy. Last evaluated: 2025-07-01. Review status: criteria provided, single submitter. Criteria: Invitae Variant Classification Sherloc (09022015). Collection method: clinical testing. Allele origin: germline.

GeneDx
Classification: Likely benign. Last evaluated: 2020-10-23. Review status: criteria provided, single submitter. Criteria: GeneDx Variant Classification Process June 2021. Collection method: clinical testing. Allele origin: germline. Affected: yes.

Eurofins Ntd Llc (ga)
Classification: Uncertain significance. Last evaluated: 2015-08-20. Review status: criteria provided, single submitter. Criteria: EGL Classification Definitions 2015. Collection method: clinical testing. Allele origin: germline. Observed: 1 variant allele, 1 heterozygote.

PreventionGenetics, part of Exact Sciences
Classification: Likely benign for PLEC-related condition. Last evaluated: 2020-03-25. Review status: no assertion criteria provided. Collection method: clinical testing. Allele origin: germline. Not counted in ClinVar's aggregate classification.
Comment: This variant is classified as likely benign based on ACMG/AMP sequence variant interpretation guidelines (Richards et al. 2015 PMID: 25741868, with internal and published modifications).

NM_201384.3(PLEC):c.12354C>T (p.Leu4118=)

Gene: PLEC (plectin; minus strand). Cytogenetic location: 8q24.3.
Variant type: single nucleotide variant.
Coding change: c.12354C>T on transcript NM_201384.3 (MANE Select); coding-DNA position 12354, C replaced by T.
Protein change: p.Leu4118=; no amino-acid change (leucine 4118 retained).
Molecular consequence: synonymous variant.
Genome position (GRCh38, 1-based): chr8:143,917,467, G>A on the plus strand (C>T on the coding strand, the complement: PLEC is on the minus strand). VCF-style: chr8-143917467-G-A. GRCh37 (hg19) VCF-style: chr8-144991635-G-A.
Other names: c.12435C>T, p.Leu4145= (NM_000445.5); c.12312C>T, p.Leu4104= (NM_201378.4); c.12288C>T, p.Leu4096= (NM_201379.3); c.12765C>T, p.Leu4255= (NM_201380.4); c.12258C>T, p.Leu4086= (NM_201381.3); c.12354C>T, p.Leu4118= (NM_201382.4); c.12366C>T, p.Leu4122= (NM_201383.3).
Identifiers: ClinVar variation 282853 (VCV000282853.23), dbSNP rs782692436, ClinGen allele CA4924109.
Genomic context (GRCh38, chr8:143,917,467, plus strand): 5'-CTTGCGCACGGAGGACTTGGAGGACGTCTTCCGCTCCCGCTTCTTCTCCTTCAGCGGCAA[G>A]AGACACAGGCCCGTCTGGGGGTCAGTGATACAACGCTCCATCAGCTGCAGGTAGGTGAGG-3'
Protein context (NP_958786.1, residues 4108-4128): CITDPQTGLC[Leu4118=]LPLKEKKRER